The following is an entry in ClinVar:

NM_000222.3(KIT):c.644C>T (p.Ser215Phe)

Gene: KIT (KIT proto-oncogene, receptor tyrosine kinase; plus strand). Cytogenetic location: 4q12.
Variant type: single nucleotide variant.
Coding change: c.644C>T on transcript NM_000222.3 (MANE Select); coding-DNA position 644, C replaced by T.
Protein change: p.Ser215Phe; replaces serine 215 with phenylalanine.
Molecular consequence: missense variant.
Genome position (GRCh38, 1-based): chr4:54,699,654, C>T. VCF-style: chr4-54699654-C-T. GRCh37 (hg19) VCF-style: chr4-55565820-C-T.
Other names: c.644C>T, p.Ser215Phe (NM_001093772.2, NM_001385284.1, NM_001385285.1 and 4 more transcripts); short protein forms S215F.
Identifiers: ClinVar variation 2064898 (VCV002064898.4), dbSNP rs2109678942, ClinGen allele CA356898191.

ClinVar aggregate classification (germline): Uncertain significance (1 of 4 stars; one submission).

Conditions:
Gastrointestinal stromal tumor. Also called: Gastrointestinal stroma tumor; Gastrointestinal stromal tumor, somatic. Identifiers: Orphanet 44890, MedGen C0238198, MeSH D046152, MONDO:0011719, OMIM 606764, HP:0100723.

Submission:

Labcorp Genetics (formerly Invitae), Labcorp
Classification: Uncertain significance for Gastrointestinal stromal tumor. Last evaluated: 2024-04-29. Review status: criteria provided, single submitter. Criteria: Invitae Variant Classification Sherloc (09022015). Collection method: clinical testing. Allele origin: germline.
Comment: This sequence change replaces serine, which is neutral and polar, with phenylalanine, which is neutral and non-polar, at codon 215 of the KIT protein (p.Ser215Phe). This variant is not present in population databases (gnomAD no frequency). This variant has not been reported in the literature in individuals affected with KIT-related conditions. ClinVar contains an entry for this variant (Variation ID: 2064898). An algorithm developed to predict the effect of missense changes on protein structure and function (PolyPhen-2) suggests that this variant is likely to be tolerated. In summary, the available evidence is currently insufficient to determine the role of this variant in disease. Therefore, it has been classified as a Variant of Uncertain Significance.